The following is an entry in ClinVar:

ClinVar aggregate classification (germline): Uncertain significance (1 of 4 stars; one submission).

Conditions:
Neuroblastoma, susceptibility to, 3. Also called: ALK-Related Neuroblastic Tumor Susceptibility. Identifiers: Orphanet 635, MedGen C2751681, MONDO:0013083, OMIM 613014.

Submission:

Labcorp Genetics (formerly Invitae), Labcorp
Classification: Uncertain significance for Neuroblastoma, susceptibility to, 3. Last evaluated: 2023-02-27. Review status: criteria provided, single submitter. Criteria: Invitae Variant Classification Sherloc (09022015). Collection method: clinical testing. Allele origin: germline.
Comment: This sequence change replaces cysteine, which is neutral and slightly polar, with glycine, which is neutral and non-polar, at codon 487 of the ALK protein (p.Cys487Gly). This variant is not present in population databases (gnomAD no frequency). This variant has not been reported in the literature in individuals affected with ALK-related conditions. An algorithm developed to predict the effect of missense changes on protein structure and function (PolyPhen-2) suggests that this variant is likely to be disruptive. In summary, the available evidence is currently insufficient to determine the role of this variant in disease. Therefore, it has been classified as a Variant of Uncertain Significance.

NM_004304.5(ALK):c.1459T>G (p.Cys487Gly)

Gene: ALK (ALK receptor tyrosine kinase; minus strand). Cytogenetic location: 2p23.2.
Variant type: single nucleotide variant.
Coding change: c.1459T>G on transcript NM_004304.5 (MANE Select); coding-DNA position 1459, T replaced by G.
Protein change: p.Cys487Gly; replaces cysteine 487 with glycine.
Molecular consequence: missense variant.
Genome position (GRCh38, 1-based): chr2:29,320,838, A>C on the plus strand (T>G on the coding strand, the complement: ALK is on the minus strand). VCF-style: chr2-29320838-A-C. GRCh37 (hg19) VCF-style: chr2-29543704-A-C.
Other names: short protein forms C487G.
Identifiers: ClinVar variation 2779556 (VCV002779556.3), dbSNP rs2148251026, ClinGen allele CA346472537.